The following is an entry in ClinVar:

ClinVar aggregate classification (germline): Uncertain significance (1 of 4 stars; one submission).

Submission:

GeneDx
Classification: Uncertain significance. Last evaluated: 2024-12-18. Review status: criteria provided, single submitter. Criteria: GeneDx Variant Classification Process June 2021. Collection method: clinical testing. Allele origin: germline. Affected: yes.
Comment: Not observed at significant frequency in large population cohorts (gnomAD); In silico analysis supports that this missense variant has a deleterious effect on protein structure/function; Has not been previously published as pathogenic or benign to our knowledge

NM_001379291.1(BRD4):c.352T>C (p.Tyr118His)

Gene: BRD4 (bromodomain containing 4; minus strand). Cytogenetic location: 19p13.12.
Variant type: single nucleotide variant.
Coding change: c.352T>C on transcript NM_001379291.1 (MANE Select); coding-DNA position 352, T replaced by C.
Protein change: p.Tyr118His; replaces tyrosine 118 with histidine.
Molecular consequence: missense variant.
Genome position (GRCh38, 1-based): chr19:15,268,976, A>G on the plus strand (T>C on the coding strand, the complement: BRD4 is on the minus strand). VCF-style: chr19-15268976-A-G. GRCh37 (hg19) VCF-style: chr19-15379787-A-G.
Other names: c.352T>C, p.Tyr118His (NM_001330384.2, NM_001379292.1, NM_014299.3 and 1 more transcripts); short protein forms Y118H.
Identifiers: ClinVar variation 3906654 (VCV003906654.1).